The following is an entry in ClinVar:

NM_001267550.2(TTN):c.11311+5537T>C

Genes: TTN (titin; minus strand), LOC126806432 (CDK7 strongly-dependent group 2 enhancer GRCh37_chr2:179611985-179613184; plus strand). Cytogenetic location: 2q31.2.
Variant type: single nucleotide variant.
Coding change: c.11311+5537T>C on transcript NM_001267550.2 (MANE Select); 5537 bases into the intron after coding-DNA position 11311, T replaced by C.
Molecular consequence: intron variant. On other transcripts: missense variant (1).
Genome position (GRCh38, 1-based): chr2:178,747,587, A>G on the plus strand (T>C on the coding strand, the complement: TTN is on the minus strand). VCF-style: chr2-178747587-A-G. GRCh37 (hg19) VCF-style: chr2-179612314-A-G.
Other names: c.14813T>C, p.Met4938Thr (NM_133379.5); c.10222+5537T>C (NM_003319.4); c.10798+5537T>C (NM_133437.4); c.10597+5537T>C (NM_133432.3); c.10360+5537T>C (NM_133378.4, NM_001256850.1); short protein forms M4938T.
Identifiers: ClinVar variation 4986379 (VCV004986379.1).

ClinVar aggregate classification (germline): Uncertain significance (1 of 4 stars; one submission).

Conditions:
TTN-related disorder. Also called: TTN-related disorders; TTN-related condition; TTN-related disease.

gnomAD v4.1: 37 of 1,613,266 alleles (0.0023%); highest among the groups gnomAD compares: African/African-American, 0.02%; no homozygotes.

Submission:

PreventionGenetics, part of Exact Sciences
Classification: Uncertain significance for TTN-related condition. Last evaluated: 2025-05-22. Review status: criteria provided, single submitter. Criteria: ACMG Guidelines, 2015. Collection method: clinical testing. Allele origin: germline.
Comment: The TTN c.11311+5537T>C variant is predicted to interfere with splicing. This variant is also referred to as c.14813T>C (p.Met4938Thr) in the Novex-3 transcript NM_133379. This variant is located in exon 46 of the Novex-3 transcript (minor small cardiac isoform) which is the last exon of this transcript. This exon is not included in any other TTN transcripts (principle cardiac or skeletal muscle isoforms). To our knowledge, this variant has not been reported in the literature. This variant is reported in 0.024% of alleles in individuals of African descent in gnomAD. At this time, the clinical significance of this variant is uncertain due to the absence of conclusive functional and genetic evidence.